The following is an entry in ClinVar:

NM_001375808.2(LPIN2):c.1549C>T (p.Arg517Cys)

Gene: LPIN2 (lipin 2; minus strand). Cytogenetic location: 18p11.31.
Variant type: single nucleotide variant.
Coding change: c.1549C>T on transcript NM_001375808.2 (MANE Select); coding-DNA position 1549, C replaced by T.
Protein change: p.Arg517Cys; replaces arginine 517 with cysteine.
Molecular consequence: missense variant.
Genome position (GRCh38, 1-based): chr18:2,929,066, G>A on the plus strand (C>T on the coding strand, the complement: LPIN2 is on the minus strand). VCF-style: chr18-2929066-G-A. GRCh37 (hg19) VCF-style: chr18-2929064-G-A.
Other names: c.1549C>T, p.Arg517Cys (NM_001375809.1, NM_014646.2); short protein forms R517C.
Identifiers: ClinVar variation 1422219 (VCV001422219.5), dbSNP rs781071052, ClinGen allele CA8873071.
Genomic context (GRCh38, chr18:2,929,066, plus strand): 5'-ATGGCACTTGTAAAAAAACTGCAAGAGTATTTAACAATTATAAAAGCAGGAGTATTTACC[G>A]ATTATATATCCTTATTACAAGGTTAGGATTGTCTATAAGTCCAGGGTTTTCTGCAAATTC-3'
Protein context (NP_001362737.1, residues 507-527): NPNLVIRIYN[Arg517Cys]YYNWALAAPM

ClinVar aggregate classification (germline): Uncertain significance (1 of 4 stars; one submission).

Conditions:
Majeed syndrome (MJDS). Also called: LPIN2-Related Majeed Syndrome; CHRONIC RECURRENT MULTIFOCAL OSTEOMYELITIS 1, WITH CONGENITAL DYSERYTHROPOIETIC ANEMIA, WITH OR WITHOUT NEUTROPHILIC DERMATOSIS. Identifiers: Orphanet 77297, MedGen C1864997, MONDO:0012316, OMIM 609628.

Allele frequency attached by ClinVar (database versions not stated): TOPMed below 0.00001; gnomAD 0.00001; gnomAD exomes 0.00002; ExAC 0.00003.
gnomAD v4.1: 20 of 1,560,770 alleles (0.0013%); highest among the groups gnomAD compares: Admixed American, 0.005%; no homozygotes.

Submission:

Labcorp Genetics (formerly Invitae), Labcorp
Classification: Uncertain significance for Majeed syndrome. Last evaluated: 2022-07-05. Review status: criteria provided, single submitter. Criteria: Invitae Variant Classification Sherloc (09022015). Collection method: clinical testing. Allele origin: germline.
Comment: This sequence change replaces arginine, which is basic and polar, with cysteine, which is neutral and slightly polar, at codon 517 of the LPIN2 protein (p.Arg517Cys). This variant is present in population databases (rs781071052, gnomAD 0.006%). This variant has not been reported in the literature in individuals affected with LPIN2-related conditions. ClinVar contains an entry for this variant (Variation ID: 1422219). Algorithms developed to predict the effect of missense changes on protein structure and function are either unavailable or do not agree on the potential impact of this missense change (SIFT: "Deleterious"; PolyPhen-2: "Probably Damaging"; Align-GVGD: "Class C15"). Algorithms developed to predict the effect of sequence changes on RNA splicing suggest that this variant may disrupt the consensus splice site. In summary, the available evidence is currently insufficient to determine the role of this variant in disease. Therefore, it has been classified as a Variant of Uncertain Significance.